The following is an entry in ClinVar:

NM_005732.4(RAD50):c.2438C>A (p.Ala813Glu)

Gene: RAD50 (RAD50 double strand break repair protein; plus strand). Cytogenetic location: 5q31.1.
Variant type: single nucleotide variant.
Coding change: c.2438C>A on transcript NM_005732.4 (MANE Select); coding-DNA position 2438, C replaced by A.
Protein change: p.Ala813Glu; replaces alanine 813 with glutamic acid.
Molecular consequence: missense variant.
Genome position (GRCh38, 1-based): chr5:132,603,960, C>A. VCF-style: chr5-132603960-C-A. GRCh37 (hg19) VCF-style: chr5-131939652-C-A.
Other names: short protein forms A813E.
Identifiers: ClinVar variation 4824497 (VCV004824497.1).

ClinVar aggregate classification (germline): Uncertain significance (1 of 4 stars; one submission).

Conditions:
Hereditary cancer-predisposing syndrome. Also called: Neoplastic Syndromes, Hereditary; Hereditary neoplastic syndrome; Tumor predisposition; Hereditary Cancer Syndrome. Identifiers: Orphanet 140162, MedGen C0027672, MeSH D009386, MONDO:0015356.

Submission:

Ambry Genetics
Classification: Uncertain significance for Hereditary cancer-predisposing syndrome. Last evaluated: 2026-01-24. Review status: criteria provided, single submitter. Criteria: Ambry Variant Classification Scheme 2023. Collection method: clinical testing. Allele origin: germline.
Comment: The p.A813E variant (also known as c.2438C>A), located in coding exon 15 of the RAD50 gene, results from a C to A substitution at nucleotide position 2438. The alanine at codon 813 is replaced by glutamic acid, an amino acid with dissimilar properties. This amino acid position is conserved. In addition, this alteration is predicted to be tolerated by in silico analysis. Based on the available evidence, the clinical significance of this variant remains unclear.